The following is an entry in ClinVar:

ClinVar aggregate classification (germline): Uncertain significance (1 of 4 stars; one submission).

gnomAD v4.1: 14 of 1,601,680 alleles (0.00087%); highest among the groups gnomAD compares: African/African-American, 0.004%; no homozygotes.

Submission:

Labcorp Genetics (formerly Invitae), Labcorp
Classification: Uncertain significance. Last evaluated: 2025-06-27. Review status: criteria provided, single submitter. Criteria: Invitae Variant Classification Sherloc (09022015). Collection method: clinical testing. Allele origin: germline.
Comment: This sequence change replaces arginine, which is basic and polar, with glycine, which is neutral and non-polar, at codon 262 of the GUCY2C protein (p.Arg262Gly). This variant is present in population databases (no rsID available, gnomAD 0.01%). This variant has not been reported in the literature in individuals affected with GUCY2C-related conditions. Invitae Evidence Modeling of protein sequence and biophysical properties (such as structural, functional, and spatial information, amino acid conservation, physicochemical variation, residue mobility, and thermodynamic stability) indicates that this missense variant is not expected to disrupt GUCY2C protein function with a negative predictive value of 80%. In summary, the available evidence is currently insufficient to determine the role of this variant in disease. Therefore, it has been classified as a Variant of Uncertain Significance.

NM_004963.4(GUCY2C):c.784C>G (p.Arg262Gly)

Genes: GUCY2C (guanylate cyclase 2C; minus strand), GUCY2C-AS1 (GUCY2C antisense RNA 1; plus strand). Cytogenetic location: 12p12.3.
Variant type: single nucleotide variant.
Coding change: c.784C>G on transcript NM_004963.4 (MANE Select); coding-DNA position 784, C replaced by G.
Protein change: p.Arg262Gly; replaces arginine 262 with glycine.
Molecular consequence: missense variant.
Genome position (GRCh38, 1-based): chr12:14,679,703, G>C on the plus strand (C>G on the coding strand, the complement: GUCY2C is on the minus strand). VCF-style: chr12-14679703-G-C. GRCh37 (hg19) VCF-style: chr12-14832637-G-C.
Other names: short protein forms R262G.
Identifiers: ClinVar variation 4798168 (VCV004798168.1).
Genomic context (GRCh38, chr12:14,679,703, plus strand): 5'-AATGTTATACCTACTTGAAAAGATCCACTAGAATAATGACAATGTCTTCAGCCACTGCTC[G>C]GTCACCCTTCAGCTTGTAGAGGAACTCTGGACCACCACACATAATAATCACTGGAGGAGA-3'
Protein context (NP_004954.2, residues 252-272): PEFLYKLKGD[Arg262Gly]AVAEDIVIIL